The following is an entry in ClinVar:

NM_020975.6(RET):c.228C>T (p.Tyr76=)

Gene: RET (ret proto-oncogene; plus strand). Cytogenetic location: 10q11.21.
Variant type: single nucleotide variant.
Coding change: c.228C>T on transcript NM_020975.6 (MANE Select); coding-DNA position 228, C replaced by T.
Protein change: p.Tyr76=; no amino-acid change (tyrosine 76 retained).
Molecular consequence: synonymous variant. On other transcripts: intron variant (4).
Genome position (GRCh38, 1-based): chr10:43,100,613, C>T. VCF-style: chr10-43100613-C-T. GRCh37 (hg19) VCF-style: chr10-43596061-C-T.
Other names: c.228C>T, p.Tyr76= (NM_001406743.1, NM_001406744.1, NM_001406759.1 and 32 more transcripts); c.74-8418C>T (NM_001406784.1); c.74-11486C>T (NM_001406794.1, NM_001406792.1, NM_001406793.1).
Identifiers: ClinVar variation 4992678 (VCV004992678.1).

ClinVar aggregate classification (germline): Likely benign (1 of 4 stars; one submission).

Conditions:
RET-related disorder. Also called: RET-related condition; RET-related disease; RET-related disorders.

Submission:

PreventionGenetics, part of Exact Sciences
Classification: Likely benign for RET-related condition. Last evaluated: 2026-08-21. Review status: criteria provided, single submitter. Criteria: ACMG Guidelines, 2015. Collection method: clinical testing. Allele origin: germline.
Comment: This variant is classified as likely benign based on ACMG/AMP sequence variant interpretation guidelines (Richards et al. 2015 PMID: 25741868, with internal and published modifications).